The following is an entry in ClinVar:

NM_144999.4(LRRC45):c.309C>G (p.Ala103=)

Gene: LRRC45 (leucine rich repeat containing 45; plus strand). Cytogenetic location: 17q25.3.
Variant type: single nucleotide variant.
Coding change: c.309C>G on transcript NM_144999.4 (MANE Select); coding-DNA position 309, C replaced by G.
Protein change: p.Ala103=; no amino-acid change (alanine 103 retained).
Molecular consequence: synonymous variant.
Genome position (GRCh38, 1-based): chr17:82,024,719, C>G. VCF-style: chr17-82024719-C-G. GRCh37 (hg19) VCF-style: chr17-79982595-C-G.
Identifiers: ClinVar variation 4978217 (VCV004978217.1).

ClinVar aggregate classification (germline): Likely benign (1 of 4 stars; one submission).

Conditions:
LRRC45-related disorder. Also called: LRRC45-related condition.

gnomAD v4.1: 32 of 1,577,440 alleles (0.002%); highest among the groups gnomAD compares: Admixed American, 0.0098%; no homozygotes.

Submission:

PreventionGenetics, part of Exact Sciences
Classification: Likely benign for LRRC45-related condition. Last evaluated: 2025-12-11. Review status: criteria provided, single submitter. Criteria: ACMG Guidelines, 2015. Collection method: clinical testing. Allele origin: germline.
Comment: This variant is classified as likely benign based on ACMG/AMP sequence variant interpretation guidelines (Richards et al. 2015 PMID: 25741868, with internal and published modifications).